The following is an entry in ClinVar:

ClinVar aggregate classification (germline): Benign/Likely benign. Review status: criteria provided, multiple submitters, no conflicts (2 of 4 stars). 3 submissions from 3 submitters: Benign (1); Likely benign (2). Last evaluated 2024-10-29.

Conditions:
Hereditary cancer-predisposing syndrome. Also called: Hereditary Cancer Syndrome; Hereditary neoplastic syndrome; Neoplastic Syndromes, Hereditary; Tumor predisposition. Identifiers: Orphanet 140162, MedGen C0027672, MeSH D009386, MONDO:0015356.
Prostate cancer, hereditary, 9 (HPC9). Identifiers: Orphanet 1331, MedGen C1970250, MONDO:0012597, OMIM 610997.

Submissions (3):

Myriad Genetics, Inc.
Classification: Benign for Prostate cancer, hereditary, 9. Last evaluated: 2024-10-29. Review status: criteria provided, single submitter. Criteria: Myriad Autosomal Dominant, Autosomal Recessive and X-Linked Classification Criteria (2023). Collection method: clinical testing. Allele origin: unknown.
Comment: This variant is considered benign. This variant is a silent/synonymous amino acid change and it is not expected to impact splicing.

Labcorp Genetics (formerly Invitae), Labcorp
Classification: Likely benign. Last evaluated: 2023-08-20. Review status: criteria provided, single submitter. Criteria: Invitae Variant Classification Sherloc (09022015). Collection method: clinical testing. Allele origin: germline.

Ambry Genetics
Classification: Likely benign for Hereditary cancer-predisposing syndrome. Last evaluated: 2021-12-05. Review status: criteria provided, single submitter. Criteria: Ambry Variant Classification Scheme 2023. Collection method: clinical testing. Allele origin: germline.

NM_006361.6(HOXB13):c.147C>A (p.Ala49=)

Gene: HOXB13 (homeobox B13; minus strand). Cytogenetic location: 17q21.32.
Variant type: single nucleotide variant.
Coding change: c.147C>A on transcript NM_006361.6 (MANE Select); coding-DNA position 147, C replaced by A.
Protein change: p.Ala49=; no amino-acid change (alanine 49 retained).
Molecular consequence: synonymous variant.
Genome position (GRCh38, 1-based): chr17:48,728,447, G>T on the plus strand (C>A on the coding strand, the complement: HOXB13 is on the minus strand). VCF-style: chr17-48728447-G-T. GRCh37 (hg19) VCF-style: chr17-46805809-G-T.
Identifiers: ClinVar variation 1773526 (VCV001773526.6), dbSNP rs2143074721, ClinGen allele CA500502716.